The following is an entry in ClinVar:

ClinVar aggregate classification (germline): Uncertain significance (1 of 4 stars; one submission).

Conditions:
Aicardi-Goutieres syndrome 7 (AGS7). Identifiers: Orphanet 51, MedGen C3888244, MONDO:0014367, OMIM 615846.
Singleton-Merten syndrome 1 (SGMRT1). Also called: Widened medullary cavities of bone, aortic calcification, abnormal dentition, and muscular weakness; Syndrome of widened medullary cavities of the metacarpals and phalanges, aortic calcification and abnormal dentition. Identifiers: Orphanet 85191, MedGen C4225427, MONDO:0024535, OMIM 182250.

gnomAD v4.1: 1 of 1,610,130 alleles (0.000062%); highest among the groups gnomAD compares: East Asian, 0.0022%; no homozygotes.

Submission:

Labcorp Genetics (formerly Invitae), Labcorp
Classification: Uncertain significance for Aicardi-Goutieres syndrome 7; Singleton-Merten syndrome 1. Last evaluated: 2020-12-05. Review status: criteria provided, single submitter. Criteria: Invitae Variant Classification Sherloc (09022015). Collection method: clinical testing. Allele origin: germline.
Comment: This sequence change replaces cysteine with serine at codon 138 of the IFIH1 protein (p.Cys138Ser). The cysteine residue is moderately conserved and there is a moderate physicochemical difference between cysteine and serine. This variant is not present in population databases (ExAC no frequency). Algorithms developed to predict the effect of missense changes on protein structure and function are either unavailable or do not agree on the potential impact of this missense change (SIFT: "Deleterious"; PolyPhen-2: "Probably Damaging"; Align-GVGD: "Class C0"). This variant has not been reported in the literature in individuals with IFIH1-related conditions. In summary, the available evidence is currently insufficient to determine the role of this variant in disease. Therefore, it has been classified as a Variant of Uncertain Significance.

NM_022168.4(IFIH1):c.412T>A (p.Cys138Ser)

Gene: IFIH1 (interferon induced with helicase C domain 1; minus strand). Cytogenetic location: 2q24.2.
Variant type: single nucleotide variant.
Coding change: c.412T>A on transcript NM_022168.4 (MANE Select); coding-DNA position 412, T replaced by A.
Protein change: p.Cys138Ser; replaces cysteine 138 with serine.
Molecular consequence: missense variant.
Genome position (GRCh38, 1-based): chr2:162,317,896, A>T on the plus strand (T>A on the coding strand, the complement: IFIH1 is on the minus strand). VCF-style: chr2-162317896-A-T. GRCh37 (hg19) VCF-style: chr2-163174406-A-T.
Other names: short protein forms C138S.
Identifiers: ClinVar variation 1395702 (VCV001395702.8), dbSNP rs759791512, ClinGen allele CA349013381.